The following is an entry in ClinVar:

NM_004525.3(LRP2):c.828G>A (p.Ser276=)

Gene: LRP2 (LDL receptor related protein 2; minus strand). Cytogenetic location: 2q31.1.
Variant type: single nucleotide variant.
Coding change: c.828G>A on transcript NM_004525.3 (MANE Select); coding-DNA position 828, G replaced by A.
Protein change: p.Ser276=; no amino-acid change (serine 276 retained).
Molecular consequence: synonymous variant.
Genome position (GRCh38, 1-based): chr2:169,290,939, C>T on the plus strand (G>A on the coding strand, the complement: LRP2 is on the minus strand). VCF-style: chr2-169290939-C-T. GRCh37 (hg19) VCF-style: chr2-170147449-C-T.
Identifiers: ClinVar variation 719333 (VCV000719333.25), dbSNP rs146048301, ClinGen allele CA1955736.

ClinVar aggregate classification (germline): Likely benign. Review status: criteria provided, multiple submitters, no conflicts (2 of 4 stars). 5 submissions from 5 submitters: Likely benign (5). Last evaluated 2025-12-30.

Conditions:
Donnai-Barrow syndrome. Also called: DBS/FOAR SYNDROME; FACIOOCULOACOUSTICORENAL SYNDROME. Identifiers: Orphanet 2143, MedGen C1857277, MONDO:0009104, OMIM 222448.

Allele frequency attached by ClinVar (database versions not stated): gnomAD 0.00016 and 0.00017; ExAC 0.00021; TOPMed 0.00021; gnomAD exomes 0.00023 and 0.00044; ESP Exome Variant Server 0.00031.
gnomAD v4.1: 671 of 1,613,904 alleles (0.042%); highest among the groups gnomAD compares: Middle Eastern, 0.066%; no homozygotes.

Submissions (5):

Labcorp Genetics (formerly Invitae), Labcorp
Classification: Likely benign. Last evaluated: 2025-12-30. Review status: criteria provided, single submitter. Criteria: Invitae Variant Classification Sherloc (09022015). Collection method: clinical testing. Allele origin: germline.

Blueprint Genetics
Classification: Likely benign. Last evaluated: 2024-09-10. Review status: criteria provided, single submitter. Criteria: ACMG Guidelines, 2015. Collection method: clinical testing. Allele origin: germline.

CeGaT Center for Human Genetics Tuebingen
Classification: Likely benign. Last evaluated: 2024-09-01. Review status: criteria provided, single submitter. Criteria: CeGaT Center For Human Genetics Tuebingen Variant Classification Criteria Version 2. Collection method: clinical testing. Allele origin: germline. Affected: yes. Observed: 1 variant allele.
Comment: LRP2: BP4, BP7

Fulgent Genetics
Classification: Likely benign for Donnai-Barrow syndrome. Last evaluated: 2021-07-15. Review status: criteria provided, single submitter. Criteria: ACMG Guidelines, 2015. Collection method: clinical testing. Allele origin: unknown.

Breakthrough Genomics
Classification: Likely benign. Review status: criteria provided, single submitter. Criteria: ACMG Guidelines, 2015. Collection method: not provided. Allele origin: germline. Inheritance: Autosomal recessive inheritance. Affected: yes.